The following is an entry in ClinVar:

ClinVar aggregate classification (germline): Pathogenic (1 of 4 stars; one submission).

Conditions:
Primary ciliary dyskinesia. Also called: Ciliary dyskinesia. Identifiers: Orphanet 244, MedGen C0008780, MONDO:0016575, HP:0012265.

Submission:

Labcorp Genetics (formerly Invitae), Labcorp
Classification: Pathogenic for Primary ciliary dyskinesia. Last evaluated: 2023-12-19. Review status: criteria provided, single submitter. Criteria: Invitae Variant Classification Sherloc (09022015). Collection method: clinical testing. Allele origin: germline.
Comment: This sequence change creates a premature translational stop signal (p.Glu683*) in the DNAH11 gene. It is expected to result in an absent or disrupted protein product. Loss-of-function variants in DNAH11 are known to be pathogenic (PMID: 18022865, 20513915, 22184204). This variant is not present in population databases (gnomAD no frequency). This variant has not been reported in the literature in individuals affected with DNAH11-related conditions. Algorithms developed to predict the effect of sequence changes on RNA splicing suggest that this variant may disrupt the consensus splice site. For these reasons, this variant has been classified as Pathogenic.

Literature cited by the submitters: PubMed 18022865; PubMed 20513915; PubMed 22184204.

NM_001277115.2(DNAH11):c.2046dup (p.Glu683Ter)

Gene: DNAH11 (dynein axonemal heavy chain 11; plus strand). Cytogenetic location: 7p15.3.
Variant type: Duplication.
Coding change: c.2046dup on transcript NM_001277115.2 (MANE Select); coding-DNA position 2046, one base duplicated (T; older notation c.2046dupT).
Protein change: p.Glu683Ter; replaces glutamic acid 683 with a stop codon.
Molecular consequence: nonsense. On other transcripts: frameshift variant (1).
Genome position (GRCh38, 1-based): chr7:21,589,280, T duplicated; the last of 3 consecutive T bases (chr7:21,589,278-21,589,280); duplicating any one gives the same sequence. VCF-style (leftmost placement, unchanged base first): chr7-21589277-A-AT. GRCh37 (hg19) VCF-style: chr7-21628895-A-AT.
Other names: c.2046dup, p.Glu683Terfs (NM_003777.3); short protein forms E683*.
Identifiers: ClinVar variation 2967864 (VCV002967864.3), dbSNP rs2534589152, ClinGen allele CA2740097314.